The following is an entry in ClinVar:

NM_001035.3(RYR2):c.6005A>T (p.Asp2002Val)

Gene: RYR2 (ryanodine receptor 2; plus strand). Cytogenetic location: 1q43.
Variant type: single nucleotide variant.
Coding change: c.6005A>T on transcript NM_001035.3 (MANE Select); coding-DNA position 6005, A replaced by T.
Protein change: p.Asp2002Val; replaces aspartic acid 2002 with valine.
Molecular consequence: missense variant.
Genome position (GRCh38, 1-based): chr1:237,623,853, A>T. VCF-style: chr1-237623853-A-T. GRCh37 (hg19) VCF-style: chr1-237787153-A-T.
Other names: short protein forms D2002V.
Identifiers: ClinVar variation 2774315 (VCV002774315.2), dbSNP rs1196877764, ClinGen allele CA345408337.

ClinVar aggregate classification (germline): Uncertain significance (1 of 4 stars; one submission).

Conditions:
Cardiomyopathy (CMYO). Also called: Cardiomyopathies. Identifiers: Orphanet 167848, MedGen C0878544, MONDO:0004994, HP:0001638. Inheritance: Various modes of inheritance.

Submission:

Color Diagnostics, LLC DBA Color Health
Classification: Uncertain significance for Cardiomyopathy. Last evaluated: 2024-03-07. Review status: criteria provided, single submitter. Criteria: ACMG Guidelines, 2015. Collection method: clinical testing. Allele origin: germline.
Comment: This missense variant replaces aspartic acid with valine at codon 2002 of the RYR2 protein. Computational prediction is inconclusive regarding the impact of this variant on protein structure and function (internally defined REVEL score threshold 0.5 < inconclusive < 0.7, PMID: 27666373). To our knowledge, functional studies have not been reported for this variant. This variant has not been reported in individuals affected with cardiovascular disorders in the literature. This variant has not been identified in the general population by the Genome Aggregation Database (gnomAD). The available evidence is insufficient to determine the role of this variant in disease conclusively. Therefore, this variant is classified as a Variant of Uncertain Significance.